The following is an entry in ClinVar:

ClinVar aggregate classification (germline): Uncertain significance. Review status: criteria provided, multiple submitters, no conflicts (2 of 4 stars). 10 submissions from 7 submitters: Uncertain significance (10). Last evaluated 2025-12-03.

Conditions:
Thyrotoxic periodic paralysis, susceptibility to, 1 (TTPP1). Identifiers: Orphanet 79102, MedGen C2749982, MONDO:0008570, OMIM 188580.
Malignant hyperthermia, susceptibility to, 5 (MHS5). Also called: CACNA1S-Related Malignant Hyperthermia Susceptibility. Identifiers: Orphanet 423, MedGen C1866077, MONDO:0011163, OMIM 601887.
Hypokalemic periodic paralysis, type 1. Also called: HypoPP; Hypokalemic Periodic Paralysis Type 1 (AD). Identifiers: Orphanet 681, MedGen C3714580, MONDO:0042979, OMIM 170400.
Congenital myopathy 18. Also called: DIHYDROPYRIDINE RECEPTOR CONGENITAL MYOPATHY; DHPR CONGENITAL MYOPATHY; Myopathy, congenital, due to dihydropyridine receptor defect. Identifiers: MedGen C5830283, MONDO:0859514, OMIM 620246.
Inborn genetic diseases. Identifiers: MedGen C0950123, MeSH D030342.

Allele frequency attached by ClinVar (database versions not stated): ExAC 0.00004; TOPMed 0.00009; 1000 Genomes Project 30x 0.00016; 1000 Genomes Project 0.00020.
gnomAD v4.1: 246 of 1,614,148 alleles (0.015%); highest among the groups gnomAD compares: Non-Finnish European, 0.019%; no homozygotes.

Submissions (10):

Labcorp Genetics (formerly Invitae), Labcorp
Classification: Uncertain significance for Hypokalemic periodic paralysis, type 1; Malignant hyperthermia, susceptibility to, 5. Last evaluated: 2025-12-03. Review status: criteria provided, single submitter. Criteria: Invitae Variant Classification Sherloc (09022015). Collection method: clinical testing. Allele origin: germline.
Comment: This sequence change replaces arginine, which is basic and polar, with glycine, which is neutral and non-polar, at codon 1254 of the CACNA1S protein (p.Arg1254Gly). This variant is present in population databases (rs200034567, gnomAD 0.009%). This variant has not been reported in the literature in individuals affected with CACNA1S-related conditions. ClinVar contains an entry for this variant (Variation ID: 571333). Invitae Evidence Modeling of protein sequence and biophysical properties (such as structural, functional, and spatial information, amino acid conservation, physicochemical variation, residue mobility, and thermodynamic stability) has been performed for this missense variant. However, the output from this modeling did not meet the statistical confidence thresholds required to predict the impact of this variant on CACNA1S protein function. In summary, the available evidence is currently insufficient to determine the role of this variant in disease. Therefore, it has been classified as a Variant of Uncertain Significance.

GeneDx
Classification: Uncertain significance. Last evaluated: 2025-04-23. Review status: criteria provided, single submitter. Criteria: GeneDx Variant Classification Process June 2021. Collection method: clinical testing. Allele origin: germline. Affected: yes.
Comment: In silico analysis supports that this missense variant has a deleterious effect on protein structure/function; Has not been previously published as pathogenic or benign to our knowledge

Ambry Genetics
Classification: Uncertain significance for Inborn genetic diseases. Last evaluated: 2024-12-30. Review status: criteria provided, single submitter. Criteria: Ambry Variant Classification Scheme 2023. Collection method: clinical testing. Allele origin: germline.

All of Us Research Program, National Institutes of Health
Classification: Uncertain significance for Malignant hyperthermia, susceptibility to, 5. Last evaluated: 2024-09-11. Review status: criteria provided, single submitter. Criteria: ACMG Guidelines, 2015. Collection method: clinical testing. Allele origin: germline. Inheritance: Autosomal dominant inheritance. Observed: 25 variant alleles, 25 heterozygotes.
Comment: This missense variant replaces arginine with glycine at codon 1254 of the CACNA1S protein. Computational prediction suggests that this variant may have deleterious impact on protein structure and function (internally defined REVEL score threshold >= 0.7, PMID: 27666373). To our knowledge, functional studies have not been reported for this variant. This variant has not been reported in individuals affected with CACNA1S-related disorders in the literature. This variant has been identified in 15/282718 chromosomes in the general population by the Genome Aggregation Database (gnomAD). The available evidence is insufficient to determine the role of this variant in disease conclusively. Therefore, this variant is classified as a Variant of Uncertain Significance.

This study involves interpretation of variants in research participants for the purpose of population health screening. Participant phenotype was not available at the time of variant classification. Additional details can be found in publication PMID: 35346344, PMCID: PMC8962531

Color Diagnostics, LLC DBA Color Health
Classification: Uncertain significance for Malignant hyperthermia, susceptibility to, 5. Last evaluated: 2024-03-06. Review status: criteria provided, single submitter. Criteria: ACMG Guidelines, 2015. Collection method: clinical testing. Allele origin: germline.
Comment: This missense variant replaces arginine with glycine at codon 1254 of the CACNA1S protein. Computational prediction suggests that this variant may have deleterious impact on protein structure and function. To our knowledge, functional studies have not been reported for this variant. This variant has not been reported in individuals affected with CACNA1S-related disorders in the literature. This variant has been identified in 15/282718 chromosomes in the general population by the Genome Aggregation Database (gnomAD). The available evidence is insufficient to determine the role of this variant in disease conclusively. Therefore, this variant is classified as a Variant of Uncertain Significance.

Genome-Nilou Lab
Classification: Uncertain significance for Malignant hyperthermia, susceptibility to, 5. Last evaluated: 2023-04-11. Review status: criteria provided, single submitter. Criteria: ACMG Guidelines, 2015. Collection method: clinical testing. Allele origin: germline. Affected: no.

Genome-Nilou Lab
Classification: Uncertain significance for Thyrotoxic periodic paralysis, susceptibility to, 1. Last evaluated: 2023-04-11. Review status: criteria provided, single submitter. Criteria: ACMG Guidelines, 2015. Collection method: clinical testing. Allele origin: germline. Affected: no.

Genome-Nilou Lab
Classification: Uncertain significance for Congenital myopathy 18. Last evaluated: 2023-04-11. Review status: criteria provided, single submitter. Criteria: ACMG Guidelines, 2015. Collection method: clinical testing. Allele origin: germline. Affected: no.

Genome-Nilou Lab
Classification: Uncertain significance for Hypokalemic periodic paralysis, type 1. Last evaluated: 2023-04-11. Review status: criteria provided, single submitter. Criteria: ACMG Guidelines, 2015. Collection method: clinical testing. Allele origin: germline. Affected: no.

Fulgent Genetics
Classification: Uncertain significance for Hypokalemic periodic paralysis, type 1; Thyrotoxic periodic paralysis, susceptibility to, 1; Malignant hyperthermia, susceptibility to, 5. Last evaluated: 2021-08-03. Review status: criteria provided, single submitter. Criteria: ACMG Guidelines, 2015. Collection method: clinical testing. Allele origin: unknown.

NM_000069.3(CACNA1S):c.3760C>G (p.Arg1254Gly)

Gene: CACNA1S (calcium voltage-gated channel subunit alpha1 S; minus strand). Cytogenetic location: 1q32.1.
Variant type: single nucleotide variant.
Coding change: c.3760C>G on transcript NM_000069.3 (MANE Select); coding-DNA position 3760, C replaced by G.
Protein change: p.Arg1254Gly; replaces arginine 1254 with glycine.
Molecular consequence: missense variant.
Genome position (GRCh38, 1-based): chr1:201,053,494, G>C on the plus strand (C>G on the coding strand, the complement: CACNA1S is on the minus strand). VCF-style: chr1-201053494-G-C. GRCh37 (hg19) VCF-style: chr1-201022622-G-C.
Other names: short protein forms R1254G.
Identifiers: ClinVar variation 571333 (VCV000571333.16), dbSNP rs200034567, ClinGen allele CA082805.